The following is an entry in ClinVar:

ClinVar aggregate classification (germline): Uncertain significance (1 of 4 stars; one submission).

Allele frequency attached by ClinVar (database versions not stated): gnomAD exomes below 0.00001.
gnomAD v4.1: 1 of 1,613,260 alleles (0.000062%); highest among the groups gnomAD compares: South Asian, 0.0011%; no homozygotes.

Submission:

Labcorp Genetics (formerly Invitae), Labcorp
Classification: Uncertain significance. Last evaluated: 2022-11-02. Review status: criteria provided, single submitter. Criteria: Invitae Variant Classification Sherloc (09022015). Collection method: clinical testing. Allele origin: germline.
Comment: This sequence change replaces glutamic acid, which is acidic and polar, with lysine, which is basic and polar, at codon 1672 of the MYH9 protein (p.Glu1672Lys). This variant is not present in population databases (gnomAD no frequency). In summary, the available evidence is currently insufficient to determine the role of this variant in disease. Therefore, it has been classified as a Variant of Uncertain Significance. Advanced modeling of protein sequence and biophysical properties (such as structural, functional, and spatial information, amino acid conservation, physicochemical variation, residue mobility, and thermodynamic stability) performed at Invitae indicates that this missense variant is not expected to disrupt MYH9 protein function. This variant has not been reported in the literature in individuals affected with MYH9-related conditions.

NM_002473.6(MYH9):c.5014G>A (p.Glu1672Lys)

Gene: MYH9 (myosin heavy chain 9; minus strand). Cytogenetic location: 22q12.3.
Variant type: single nucleotide variant.
Coding change: c.5014G>A on transcript NM_002473.6 (MANE Select); coding-DNA position 5014, G replaced by A.
Protein change: p.Glu1672Lys; replaces glutamic acid 1672 with lysine.
Molecular consequence: missense variant.
Genome position (GRCh38, 1-based): chr22:36,286,765, C>T on the plus strand (G>A on the coding strand, the complement: MYH9 is on the minus strand). VCF-style: chr22-36286765-C-T. GRCh37 (hg19) VCF-style: chr22-36682811-C-T.
Other names: short protein forms E1672K.
Identifiers: ClinVar variation 2872910 (VCV002872910.3), dbSNP rs2517950294, ClinGen allele CA411374465.
Genomic context (GRCh38, chr22:36,286,765, plus strand): 5'-CAGCCCCACCCACCTCCTGCAACTGGATCATCTCGGCCTCCATGCTCTTCAGCTTCTTCT[C>T]GTTCTCTTTGGCCTGGGCCAGGATCTCCTCACGAGAGGCGCGGGTGTCATCCAGCTCGCG-3'
Protein context (NP_002464.1, residues 1662-1682): EEILAQAKEN[Glu1672Lys]KKLKSMEAEM